The following is an entry in ClinVar:

ClinVar aggregate classification (germline): Uncertain significance. Review status: criteria provided, multiple submitters, no conflicts (2 of 4 stars). 10 submissions from 10 submitters: Uncertain significance (9). 1 of the submissions does not count toward it. Last evaluated 2026-09-21.

Conditions:
Cardiovascular phenotype. Identifiers: MedGen CN230736.
Cardiomyopathy (CMYO). Also called: Cardiomyopathies. Identifiers: Orphanet 167848, MedGen C0878544, MONDO:0004994, HP:0001638. Inheritance: Various modes of inheritance.
Hypertrophic cardiomyopathy 8. Also called: MYL3-Related Familial Hypertrophic Cardiomyopathy; CARDIOMYOPATHY, HYPERTROPHIC, MID-LEFT VENTRICULAR CHAMBER TYPE, 1. Identifiers: MedGen C1837471, MONDO:0012111, OMIM 608751.
Primary familial hypertrophic cardiomyopathy (HCM). Identifiers: Orphanet 99739, MedGen C0949658, MeSH D024741, MONDO:0024573. Inheritance: Various modes of inheritance.
Hypertrophic cardiomyopathy. Also called: HYPERTROPHIC MYOCARDIOPATHY. Identifiers: Orphanet 217569, MedGen C0007194, MeSH D002312, MONDO:0005045, HP:0001639.

Allele frequency attached by ClinVar (database versions not stated): gnomAD 0.00001; gnomAD exomes 0.00003 and 0.00007; 1000 Genomes Project 0.00020; TOPMed 0.00001; ExAC 0.00003; ESP Exome Variant Server 0.00008; 1000 Genomes Project 30x 0.00016.
gnomAD v4.1: 104 of 1,614,160 alleles (0.0064%); highest among the groups gnomAD compares: Non-Finnish European, 0.0088%; no homozygotes.

Submissions (10):

Molecular Diagnostic Laboratory for Inherited Cardiovascular Disease, Montreal Heart Institute
Classification: Uncertain significance for Cardiovascular phenotype. Last evaluated: 2026-09-21. Review status: criteria provided, single submitter. Criteria: ACMG Guidelines, 2015. Collection method: clinical testing. Allele origin: germline. Affected: yes.

Color Diagnostics, LLC DBA Color Health
Classification: Uncertain significance for Cardiomyopathy. Last evaluated: 2025-12-18. Review status: criteria provided, single submitter. Criteria: ACMG Guidelines, 2015. Collection method: clinical testing. Allele origin: germline.
Comment: This missense variant replaces valine with isoleucine at codon 79 of the MYL3 protein. Computational prediction suggests that this variant may not impact protein structure and function. To our knowledge, functional studies have not been reported for this variant. This variant has been reported in one individual affected with a mild form of late-onset hypertrophic cardiomyopathy (PMID: 22957257). However, three carrier individuals from this family had electrocardiogram and/or echocardiographic abnormalities that did not fulfill diagnostic criteria for hypertrophic cardiomyopathy. In addition, five carrier individuals from this family showed an unaffected phenotype. This variant has been identified in 104/1614160 chromosomes in the general population by the Genome Aggregation Database (gnomAD). The available evidence is insufficient to determine the role of this variant in disease conclusively. Therefore, this variant is classified as a Variant of Uncertain Significance.

Labcorp Genetics (formerly Invitae), Labcorp
Classification: Uncertain significance for Hypertrophic cardiomyopathy. Last evaluated: 2025-04-17. Review status: criteria provided, single submitter. Criteria: Invitae Variant Classification Sherloc (09022015). Collection method: clinical testing. Allele origin: germline.
Comment: This sequence change replaces valine, which is neutral and non-polar, with isoleucine, which is neutral and non-polar, at codon 79 of the MYL3 protein (p.Val79Ile). This variant is present in population databases (rs150634297, gnomAD 0.005%). This missense change has been observed in individual(s) with hypertrophic cardiomyopathy (PMID: 22957257). ClinVar contains an entry for this variant (Variation ID: 161329). An algorithm developed to predict the effect of missense changes on protein structure and function (PolyPhen-2) suggests that this variant is likely to be tolerated. In summary, the available evidence is currently insufficient to determine the role of this variant in disease. Therefore, it has been classified as a Variant of Uncertain Significance.

All of Us Research Program, National Institutes of Health
Classification: Uncertain significance for Hypertrophic cardiomyopathy. Last evaluated: 2024-08-13. Review status: criteria provided, single submitter. Criteria: ACMG Guidelines, 2015. Collection method: clinical testing. Allele origin: germline. Inheritance: Autosomal dominant inheritance. Observed: 20 variant alleles, 20 heterozygotes.
Comment: This missense variant replaces valine with isoleucine at codon 79 of the MYL3 protein. Computational prediction tools indicate that this variant has a neutral impact on protein structure and function. To our knowledge, functional studies have not been reported for this variant. This variant has been reported in one individual affected with a mild form of late-onset hypertrophic cardiomyopathy (PMID: 22957257). However, three carrier individuals from this family had electrocardiogram and/or echocardiographic abnormalities that did not fulfill diagnostic criteria for hypertrophic cardiomyopathy. In addition, five carrier individuals from this family showed an unaffected phenotype. This variant has been identified in 7/251470 chromosomes in the general population by the Genome Aggregation Database (gnomAD). The available evidence is insufficient to determine the role of this variant in disease conclusively. Therefore, this variant is classified as a Variant of Uncertain Significance.

This study involves interpretation of variants in research participants for the purpose of population health screening. Participant phenotype was not available at the time of variant classification. Additional details can be found in publication PMID: 35346344, PMCID: PMC8962531

Blueprint Genetics
Classification: Uncertain significance. Last evaluated: 2024-05-17. Review status: criteria provided, single submitter. Criteria: ACMG Guidelines, 2015. Collection method: clinical testing. Allele origin: germline.

Ambry Genetics
Classification: Uncertain significance for Cardiovascular phenotype. Last evaluated: 2023-09-26. Review status: criteria provided, single submitter. Criteria: Ambry Variant Classification Scheme 2023. Collection method: clinical testing. Allele origin: germline.
Comment: The p.V79I variant (also known as c.235G>A), located in coding exon 3 of the MYL3 gene, results from a G to A substitution at nucleotide position 235. The valine at codon 79 is replaced by isoleucine, an amino acid with highly similar properties. This variant was detected in an asymptomatic individual with hypertrophic cardiomyopathy (HCM), as well as in three family members with borderline HCM findings and in six unaffected carrier family members, including some who were children at the time of evaluation (Andersen PS et al. Biochem Res Int, 2012 Apr;2012:685108). This variant has also been reported as a secondary finding in exome cohorts with limited clinical details provided (Lawrence L et al. Genet Med, 2014 Oct;16:741-50; Olfson E et al. PLoS One, 2015 Sep;10:e0135193). This amino acid position is well conserved in available vertebrate species. In addition, the in silico prediction for this alteration is inconclusive. Since supporting evidence is limited at this time, the clinical significance of this alteration remains unclear.

Women's Health and Genetics/Laboratory Corporation of America, LabCorp
Classification: Uncertain significance. Last evaluated: 2023-02-14. Review status: criteria provided, single submitter. Criteria: LabCorp Variant Classification Summary - May 2015. Collection method: clinical testing. Allele origin: germline.
Comment: Variant summary: MYL3 c.235G>A (p.Val79Ile) results in a conservative amino acid change in the encoded protein sequence. Four of five in-silico tools predict a benign effect of the variant on protein function. The variant allele was found at a frequency of 2.8e-05 in 251470 control chromosomes. The available data on variant occurrences in the general population are insufficient to allow any conclusion about variant significance. c.235G>A has been reported in the literature as segregating with disease in at least one family, in which one heterozygous individual was diagnosed with asymptomatic hypertrophic cardiomyopathy (HCM) and 3 additional heterozygotes displayed borderline HCM; unaffected heterozygous carriers in the family were under the age of 30, suggesting this variant may cause late-onset and clinically silent disease (Andersen_2012). Therefore, this report does not provide unequivocal conclusions about association of the variant with Hypertrophic Cardiomyopathy. To our knowledge, no experimental evidence demonstrating an impact on protein function has been reported. Five ClinVar submitters (evaluation after 2014) have cited the variant, and all laboratories classified the variant as uncertain significance. Based on the evidence outlined above, the variant was classified as VUS-possibly pathogenic.

Fulgent Genetics
Classification: Uncertain significance for Hypertrophic cardiomyopathy 8. Last evaluated: 2021-11-07. Review status: criteria provided, single submitter. Criteria: ACMG Guidelines, 2015. Collection method: clinical testing. Allele origin: unknown.

CHEO Genetics Diagnostic Laboratory, Children's Hospital of Eastern Ontario
Classification: Uncertain significance for Cardiomyopathy. Last evaluated: 2017-11-24. Review status: criteria provided, single submitter. Criteria: ACMG Guidelines, 2015. Collection method: clinical testing. Allele origin: germline.

CSER _CC_NCGL, University of Washington
Classification: Likely pathogenic for Cardiomyopathy, hypertrophic. Last evaluated: 2014-06-01. Review status: no assertion criteria provided. Collection method: research. Allele origin: germline. Inheritance: Autosomal dominant inheritance. Study: ESP 6500 variant annotation. Not counted in ClinVar's aggregate classification.
Comment: Variants classified for the Actionable exomic incidental findings in 6503 participants: challenges of variant classification manuscript

Literature cited by the submitters: PubMed 22957257 (cited by 5 submitters); PubMed 23304510 (cited by Ambry Genetics); PubMed 24784157 (cited by Ambry Genetics and Women's Health and Genetics/Laboratory Corporation of America, LabCorp); PubMed 26332594 (cited by Ambry Genetics); PubMed 35629155 (cited by Women's Health and Genetics/Laboratory Corporation of America, LabCorp).

NM_000258.3(MYL3):c.235G>A (p.Val79Ile)

Gene: MYL3 (myosin light chain 3; minus strand). Cytogenetic location: 3p21.31.
Variant type: single nucleotide variant.
Coding change: c.235G>A on transcript NM_000258.3 (MANE Select); coding-DNA position 235, G replaced by A.
Protein change: p.Val79Ile; replaces valine 79 with isoleucine.
Molecular consequence: missense variant.
Genome position (GRCh38, 1-based): chr3:46,860,748, C>T on the plus strand (G>A on the coding strand, the complement: MYL3 is on the minus strand). VCF-style: chr3-46860748-C-T. GRCh37 (hg19) VCF-style: chr3-46902238-C-T.
Other names: short protein forms V79I.
Identifiers: ClinVar variation 161329 (VCV000161329.24), dbSNP rs150634297, ClinGen allele CA013672.